The following is an entry in ClinVar:

NM_001172509.2(SATB2):c.1470G>A (p.Glu490=)

Gene: SATB2 (SATB homeobox 2; minus strand). Cytogenetic location: 2q33.1.
Variant type: single nucleotide variant.
Coding change: c.1470G>A on transcript NM_001172509.2 (MANE Select); coding-DNA position 1470, G replaced by A.
Protein change: p.Glu490=; no amino-acid change (glutamic acid 490 retained).
Molecular consequence: synonymous variant.
Genome position (GRCh38, 1-based): chr2:199,323,875, C>T on the plus strand (G>A on the coding strand, the complement: SATB2 is on the minus strand). VCF-style: chr2-199323875-C-T. GRCh37 (hg19) VCF-style: chr2-200188598-C-T.
Other names: c.1470G>A, p.Glu490= (NM_001172517.1, NM_015265.4).
Identifiers: ClinVar variation 3349493 (VCV003349493.1).
Genomic context (GRCh38, chr2:199,323,875, plus strand): 5'-TGCAGCCACTTTGGCAAACAGGGCTTGAGACACCTTGGCCCTTTTCATCTCCTGTTGGAT[C>T]TCGTCATAAATGGCAGCTGTGATGTTGATGTTGGCGCCGTCCACCTTAATAGGGAGGTCT-3'
Protein context (NP_001165980.1, residues 480-500): NINITAAIYD[Glu490=]IQQEMKRAKV

ClinVar aggregate classification (germline): Likely benign (0 of 4 stars; one submission).

Conditions:
SATB2-related disorder. Also called: SATB2-related condition.

Submission:

PreventionGenetics, part of Exact Sciences
Classification: Likely benign for SATB2-related condition. Last evaluated: 2024-09-29. Review status: no assertion criteria provided. Collection method: clinical testing. Allele origin: germline.
Comment: This variant is classified as likely benign based on ACMG/AMP sequence variant interpretation guidelines (Richards et al. 2015 PMID: 25741868, with internal and published modifications).